The following is an entry in ClinVar:

ClinVar aggregate classification (germline): Uncertain significance (1 of 4 stars; one submission).

Conditions:
Melnick-Needles syndrome (MNS). Also called: MELNICK-NEEDLES OSTEODYSPLASTY; OSTEODYSPLASTY OF MELNICK AND NEEDLES; Melnick-Needles Syndrome (FLNA-MNS). Identifiers: Orphanet 2484, MedGen C0025237, MONDO:0010650, OMIM 309350.
Frontometaphyseal dysplasia (FMD1). Identifiers: Orphanet 1826, MedGen C0265293, MONDO:0015942.
Heterotopia, periventricular, X-linked dominant (PVNH1). Also called: PERIVENTRICULAR NODULAR HETEROTOPIA 1; X-linked periventricular heterotopia; PERIVENTRICULAR NODULAR HETEROTOPIA 4; HETEROTOPIA, PERIVENTRICULAR, 1. Identifiers: Orphanet 2149, Orphanet 82004, MedGen C1848213, MONDO:0010233, OMIM 300049.
Oto-palato-digital syndrome, type II (OPD2). Also called: FACIOPALATOOSSEOUS SYNDROME; OPD II SYNDROME; Otopalatodigital Syndrome, Type II; Otopalatodigital Syndrome Type 2 (FLNA-OPD2). Identifiers: Orphanet 669, Orphanet 90652, MedGen C1844696, MONDO:0010571, OMIM 304120.

Submission:

Labcorp Genetics (formerly Invitae), Labcorp
Classification: Uncertain significance for Oto-palato-digital syndrome, type II; Heterotopia, periventricular, X-linked dominant; Frontometaphyseal dysplasia; Melnick-Needles syndrome. Last evaluated: 2024-08-07. Review status: criteria provided, single submitter. Criteria: Invitae Variant Classification Sherloc (09022015). Collection method: clinical testing. Allele origin: germline.
Comment: This sequence change replaces alanine, which is neutral and non-polar, with serine, which is neutral and polar, at codon 1141 of the FLNA protein (p.Ala1141Ser). This variant is not present in population databases (gnomAD no frequency). This variant has not been reported in the literature in individuals affected with FLNA-related conditions. Advanced modeling of protein sequence and biophysical properties (such as structural, functional, and spatial information, amino acid conservation, physicochemical variation, residue mobility, and thermodynamic stability) performed at Invitae indicates that this missense variant is not expected to disrupt FLNA protein function with a negative predictive value of 95%. In summary, the available evidence is currently insufficient to determine the role of this variant in disease. Therefore, it has been classified as a Variant of Uncertain Significance.

NM_001110556.2(FLNA):c.3421G>T (p.Ala1141Ser)

Gene: FLNA (filamin A; minus strand). Cytogenetic location: Xq28.
Variant type: single nucleotide variant.
Coding change: c.3421G>T on transcript NM_001110556.2 (MANE Select); coding-DNA position 3421, G replaced by T.
Protein change: p.Ala1141Ser; replaces alanine 1141 with serine.
Molecular consequence: missense variant.
Genome position (GRCh38, 1-based): chrX:154,360,374, C>A on the plus strand (G>T on the coding strand, the complement: FLNA is on the minus strand). VCF-style: chrX-154360374-C-A. GRCh37 (hg19) VCF-style: chrX-153588742-C-A.
Other names: c.3421G>T, p.Ala1141Ser (NM_001456.4); short protein forms A1141S.
Identifiers: ClinVar variation 3748818 (VCV003748818.2).